The following is an entry in ClinVar:

NM_001385012.1(NBEA):c.3307G>T (p.Ala1103Ser)

Gene: NBEA (neurobeachin; plus strand). Cytogenetic location: 13q13.3.
Variant type: single nucleotide variant.
Coding change: c.3307G>T on transcript NM_001385012.1 (MANE Select); coding-DNA position 3307, G replaced by T.
Protein change: p.Ala1103Ser; replaces alanine 1103 with serine.
Molecular consequence: missense variant.
Genome position (GRCh38, 1-based): chr13:35,159,478, G>T. VCF-style: chr13-35159478-G-T. GRCh37 (hg19) VCF-style: chr13-35733615-G-T.
Other names: c.3307G>T, p.Ala1103Ser (NM_001379245.1, NM_015678.5); short protein forms A1103S.
Identifiers: ClinVar variation 3383872 (VCV003383872.1).

ClinVar aggregate classification (germline): Uncertain significance (1 of 4 stars; one submission).

Submission:

GeneDx
Classification: Uncertain significance. Last evaluated: 2024-05-30. Review status: criteria provided, single submitter. Criteria: GeneDx Variant Classification Process June 2021. Collection method: clinical testing. Allele origin: germline. Affected: yes.
Comment: Not observed at significant frequency in large population cohorts (gnomAD); In silico analysis indicates that this missense variant does not alter protein structure/function; Has not been previously published as pathogenic or benign to our knowledge